The following is an entry in ClinVar:

ClinVar aggregate classification (germline): Likely pathogenic. Review status: criteria provided, multiple submitters, no conflicts (2 of 4 stars). 3 submissions from 3 submitters: Likely pathogenic (3). Last evaluated 2025-04-20.

Conditions:
Hereditary cancer-predisposing syndrome. Also called: Neoplastic Syndromes, Hereditary; Hereditary neoplastic syndrome; Tumor predisposition; Hereditary Cancer Syndrome. Identifiers: Orphanet 140162, MedGen C0027672, MeSH D009386, MONDO:0015356.
Cardiovascular phenotype. Identifiers: MedGen CN230736.
Schwannomatosis. Identifiers: Orphanet 93921, MedGen C1335929, MeSH C536641, MONDO:0008075.

Allele frequency attached by ClinVar (database versions not stated): gnomAD exomes below 0.00001; TOPMed below 0.00001.
gnomAD v4.1: 2 of 1,613,886 alleles (0.00012%); highest among the groups gnomAD compares: African/African-American, 0.0013%; no homozygotes.

Submissions (3):

Labcorp Genetics (formerly Invitae), Labcorp
Classification: Likely pathogenic. Last evaluated: 2025-04-20. Review status: criteria provided, single submitter. Criteria: Invitae Variant Classification Sherloc (09022015). Collection method: clinical testing. Allele origin: germline.
Comment: This sequence change affects a donor splice site in intron 4 of the LZTR1 gene. It is expected to disrupt RNA splicing. Variants that disrupt the donor or acceptor splice site typically lead to a loss of protein function (PMID: 16199547), and loss-of-function variants in LZTR1 are known to be pathogenic (PMID: 24362817, 25335493, 25480913, 25795793, 29469822, 30368668, 30442762, 30442766, 30481304, 30859559). This variant is not present in population databases (gnomAD no frequency). This variant has not been reported in the literature in individuals affected with LZTR1-related conditions. ClinVar contains an entry for this variant (Variation ID: 521702). Algorithms developed to predict the effect of sequence changes on RNA splicing suggest that this variant may disrupt the consensus splice site. In summary, the currently available evidence indicates that the variant is pathogenic, but additional data are needed to prove that conclusively. Therefore, this variant has been classified as Likely Pathogenic.

Women's Health and Genetics/Laboratory Corporation of America, LabCorp
Classification: Likely pathogenic for Schwannomatosis. Last evaluated: 2024-08-26. Review status: criteria provided, single submitter. Criteria: LabCorp Variant Classification Summary - May 2015. Collection method: clinical testing. Allele origin: germline.
Comment: Variant summary: LZTR1 c.400+1G>C is located in a canonical splice-site and is predicted to affect mRNA splicing resulting in a significantly altered protein due to either exon skipping, shortening, or inclusion of intronic material. Variants that disrupt the consensus splice site are a relatively common cause of aberrant splicing and loss of LZTR1 function. Several computational tools predict a significant impact on normal splicing: Four predict the variant abolishes a 5 splicing donor site. However, these predictions have yet to be confirmed by functional studies. The frequency data for this variant in gnomAD is considered unreliable, as metrics indicate poor data quality at this position. To our knowledge, no occurrence of c.400+1G>C in individuals affected with LZTR1-related conditions and no experimental evidence demonstrating its impact on protein function have been reported. ClinVar contains an entry for this variant (Variation ID: 521702). Germline loss of function mutations in LZTR1 have been reported to predispose to an inherited disorder of multiple schwannomas (Piotrowski_2014) and recessive Noonan syndrome (Johnston_2018). Based on the evidence outlined above, the variant was classified as likely pathogenic for the risk of multiple schwannomas and recessive Noonan syndrome.

Ambry Genetics
Classification: Likely pathogenic for Cardiovascular phenotype; Hereditary cancer-predisposing syndrome. Last evaluated: 2023-07-22. Review status: criteria provided, single submitter. Criteria: Ambry Variant Classification Scheme 2023. Collection method: clinical testing. Allele origin: germline.
Comment: The c.400+1G>C intronic variant results from a G to C substitution one nucleotide after coding exon 4 of the LZTR1 gene. RNA studies have demonstrated that this alteration results in abnormal splicing in the set of samples tested (Ambry internal data). This variant is considered to be rare based on population cohorts in the Genome Aggregation Database (gnomAD). This nucleotide position is highly conserved in available vertebrate species. In silico splice site analysis predicts that this alteration will weaken the native splice donor site. Alterations that disrupt the canonical splice site are expected to cause aberrant splicing, resulting in an abnormal protein or a transcript that is subject to nonsense-mediated mRNA decay. Loss-of-function variants in LZTR1 are related to an increased risk for schwannomas and autosomal recessive Noonan syndrome; however, such associations with autosomal dominant Noonan syndrome have not been observed (Piotrowski A et al. Nat Genet. 2014 Feb;46:182-7; Yamamoto GL et al. J Med Genet. 2015 Jun;52:413-21; Johnston JJ et al. Genet Med. 2018 10;20:1175-1185). Based on the supporting evidence, this variant is likely pathogenic for an increased risk of LZTR1-related schwannomatosis (SWN) and would be expected to cause autosomal recessive Noonan syndrome when present along with a second pathogenic or likely pathogenic variant on the other allele; however, the association of this alteration with autosomal dominant Noonan syndrome is unlikely.

Literature cited by the submitters: PubMed 16199547 (cited by Labcorp Genetics (formerly Invitae), Labcorp); PubMed 24362817 (cited by Labcorp Genetics (formerly Invitae), Labcorp); PubMed 25335493 (cited by Labcorp Genetics (formerly Invitae), Labcorp); PubMed 25480913 (cited by Labcorp Genetics (formerly Invitae), Labcorp); PubMed 25795793 (cited by Labcorp Genetics (formerly Invitae), Labcorp); PubMed 29469822 (cited by Labcorp Genetics (formerly Invitae), Labcorp); PubMed 30368668 (cited by Labcorp Genetics (formerly Invitae), Labcorp); PubMed 30442762 (cited by Labcorp Genetics (formerly Invitae), Labcorp); PubMed 30442766 (cited by Labcorp Genetics (formerly Invitae), Labcorp); PubMed 30481304 (cited by Labcorp Genetics (formerly Invitae), Labcorp); PubMed 30859559 (cited by Labcorp Genetics (formerly Invitae), Labcorp).

NM_006767.4(LZTR1):c.400+1G>C

Gene: LZTR1 (leucine zipper like post translational regulator 1; plus strand). Cytogenetic location: 22q11.21.
Variant type: single nucleotide variant.
Coding change: c.400+1G>C on transcript NM_006767.4 (MANE Select); the canonical splice donor site of the intron after coding-DNA position 400, G replaced by C.
Molecular consequence: splice donor variant.
Genome position (GRCh38, 1-based): chr22:20,987,584, G>C. VCF-style: chr22-20987584-G-C. GRCh37 (hg19) VCF-style: chr22-21341873-G-C.
Identifiers: ClinVar variation 521702 (VCV000521702.14), dbSNP rs1555927561, ClinGen allele CA410779488.
Genomic context (GRCh38, chr22:20,987,584, plus strand): 5'-CACCGGCCCCCCGTTACCACCACTCGGCCGTCGTCTATGGGAGCAGCATGTTTGTCTTTG[G>C]TAAGCAGCCTCTTGCCTCCCAGGGGCTGTGTCGCCCCGAGGCCCACAGACACCCTGCCCT-3'